The following is an entry in ClinVar:

ClinVar aggregate classification (germline): Uncertain significance. Review status: criteria provided, multiple submitters, no conflicts (2 of 4 stars). 2 submissions from 2 submitters: Uncertain significance (2). Last evaluated 2024-10-18.

Conditions:
Xeroderma pigmentosum, group F (XPF). Also called: XERODERMA PIGMENTOSUM, TYPE F; Xeroderma pigmentosum, type 6; XERODERMA PIGMENTOSUM VI; XP, GROUP F; XERODERMA PIGMENTOSUM, COMPLEMENTATION GROUP F; ERCC4-Related Xeroderma Pigmentosum. Identifiers: MedGen C0268140, MONDO:0010215, OMIM 278760.
Cockayne syndrome. Identifiers: Orphanet 191, MedGen C0009207, MONDO:0016006.
Fanconi anemia complementation group Q. Identifiers: Orphanet 84, MedGen C3808988, MONDO:0014108, OMIM 615272.

Allele frequency attached by ClinVar (database versions not stated): gnomAD 0.00003 and 0.00004; TOPMed 0.00005.

Submissions (2):

Blueprint Genetics
Classification: Uncertain significance. Last evaluated: 2024-10-18. Review status: criteria provided, single submitter. Criteria: ACMG Guidelines, 2015. Collection method: clinical testing. Allele origin: germline.

Labcorp Genetics (formerly Invitae), Labcorp
Classification: Uncertain significance for Fanconi anemia complementation group Q; Xeroderma pigmentosum, group F; Cockayne syndrome. Last evaluated: 2024-09-09. Review status: criteria provided, single submitter. Criteria: Invitae Variant Classification Sherloc (09022015). Collection method: clinical testing. Allele origin: germline.
Comment: This sequence change replaces threonine, which is neutral and polar, with asparagine, which is neutral and polar, at codon 719 of the ERCC4 protein (p.Thr719Asn). This variant is present in population databases (rs779096061, gnomAD 0.004%). This missense change has been observed in individual(s) with pancreatic cancer (PMID: 28767289). ClinVar contains an entry for this variant (Variation ID: 1470602). Invitae Evidence Modeling of protein sequence and biophysical properties (such as structural, functional, and spatial information, amino acid conservation, physicochemical variation, residue mobility, and thermodynamic stability) indicates that this missense variant is expected to disrupt ERCC4 protein function with a positive predictive value of 80%. In summary, the available evidence is currently insufficient to determine the role of this variant in disease. Therefore, it has been classified as a Variant of Uncertain Significance.

Literature cited by the submitters: PubMed 28767289 (cited by Labcorp Genetics (formerly Invitae), Labcorp).

NM_005236.3(ERCC4):c.2156C>A (p.Thr719Asn)

Gene: ERCC4 (ERCC excision repair 4, endonuclease catalytic subunit; plus strand). Cytogenetic location: 16p13.12.
Variant type: single nucleotide variant.
Coding change: c.2156C>A on transcript NM_005236.3 (MANE Select); coding-DNA position 2156, C replaced by A.
Protein change: p.Thr719Asn; replaces threonine 719 with asparagine.
Molecular consequence: missense variant.
Genome position (GRCh38, 1-based): chr16:13,947,752, C>A. VCF-style: chr16-13947752-C-A. GRCh37 (hg19) VCF-style: chr16-14041609-C-A.
Other names: short protein forms T719N.
Identifiers: ClinVar variation 1470602 (VCV001470602.7), dbSNP rs779096061, ClinGen allele CA7910687.